The following is an entry in ClinVar:

ClinVar aggregate classification (germline): Uncertain significance (1 of 4 stars; one submission).

Conditions:
Hereditary cancer-predisposing syndrome. Also called: Neoplastic Syndromes, Hereditary; Tumor predisposition; Hereditary Cancer Syndrome; Hereditary neoplastic syndrome. Identifiers: Orphanet 140162, MedGen C0027672, MeSH D009386, MONDO:0015356.

Submission:

Ambry Genetics
Classification: Uncertain significance for Hereditary cancer-predisposing syndrome. Last evaluated: 2020-01-02. Review status: criteria provided, single submitter. Criteria: Ambry Variant Classification Scheme 2023. Collection method: clinical testing. Allele origin: germline.
Comment: The p.T217K variant (also known as c.650C>A), located in coding exon 5 of the POT1 gene, results from a C to A substitution at nucleotide position 650. The threonine at codon 217 is replaced by lysine, an amino acid with similar properties. This amino acid position is not well conserved in available vertebrate species. In addition, this alteration is predicted to be tolerated by in silico analysis. Since supporting evidence is limited at this time, the clinical significance of this alteration remains unclear.

NM_015450.3(POT1):c.650C>A (p.Thr217Lys)

Gene: POT1 (protection of telomeres 1; minus strand). Cytogenetic location: 7q31.33.
Variant type: single nucleotide variant.
Coding change: c.650C>A on transcript NM_015450.3 (MANE Select); coding-DNA position 650, C replaced by A.
Protein change: p.Thr217Lys; replaces threonine 217 with lysine.
Molecular consequence: missense variant. On other transcripts: non-coding transcript variant (3).
Genome position (GRCh38, 1-based): chr7:124,859,009, G>T on the plus strand (C>A on the coding strand, the complement: POT1 is on the minus strand). VCF-style: chr7-124859009-G-T. GRCh37 (hg19) VCF-style: chr7-124499063-G-T.
Other names: c.257C>A, p.Thr86Lys (NM_001042594.2); short protein forms T217K, T86K.
Identifiers: ClinVar variation 1753951 (VCV001753951.2), dbSNP rs2116525635, ClinGen allele CA369056235.